The following is an entry in ClinVar:

ClinVar aggregate classification (germline): Uncertain significance (1 of 4 stars; one submission).

Conditions:
Hereditary cancer-predisposing syndrome. Also called: Neoplastic Syndromes, Hereditary; Tumor predisposition; Hereditary Cancer Syndrome; Hereditary neoplastic syndrome. Identifiers: Orphanet 140162, MedGen C0027672, MeSH D009386, MONDO:0015356.

Submission:

Ambry Genetics
Classification: Uncertain significance for Hereditary cancer-predisposing syndrome. Last evaluated: 2024-05-08. Review status: criteria provided, single submitter. Criteria: Ambry Variant Classification Scheme 2023. Collection method: clinical testing. Allele origin: germline.
Comment: The c.-4_-3delCGinsAA variant, located in in the 5' untranslated region (5&rsquo;UTR) of the NF2 gene, results from the deletion of two nucleotides (CG) and the insertion of two nucleotides (AA) at nucleotide positions -4 to -3. This nucleotide region is not well conserved in available vertebrate species. Based on the available evidence, the clinical significance of this variant remains unclear.

NM_000268.4(NF2):c.-4_-3delinsAA

Gene: NF2 (NF2, moesin-ezrin-radixin like (MERLIN) tumor suppressor; plus strand). Cytogenetic location: 22q12.2.
Variant type: Indel.
Coding change: c.-4_-3delinsAA on transcript NM_000268.4 (MANE Select); 4 bases upstream of the start codon through 3 bases upstream of the start codon, CG replaced by AA.
Molecular consequence: 5 prime UTR variant. On other transcripts: non-coding transcript variant (1).
Genome position (GRCh38, 1-based): chr22:29,603,995-29,603,996, CG replaced by AA. VCF-style: chr22-29603995-CG-AA. GRCh37 (hg19) VCF-style: chr22-29999984-CG-AA.
Other names: c.-234_-233delCGinsAA (NM_001407053.1, NM_001407056.1); c.-4_-3delCGinsAA (NM_001407054.1, NM_001407055.1, NM_001407057.1 and 7 more transcripts); c.-644_-643delCGinsAA (NM_001407065.1); c.-260_-259delCGinsAA (NM_001407067.1); c.-4_-3delinsAA (NM_016418.5, NM_181825.3, NM_181828.3 and 5 more transcripts).
Identifiers: ClinVar variation 1736918 (VCV001736918.3), dbSNP rs2518225455, ClinGen allele CA2580099426.
Genomic context (GRCh38, chr22:29,603,995, plus strand): 5'-GGGGGCTAAAGGGCTCAGAGTGCAGGCCGTGGGGCGCGAGGGTCCCGGGCCTGAGCCCCG[CG>AA]CCATGGCCGGGGCCATCGCTTCCCGCATGAGCTTCAGCTCTCTCAAGAGGAAGCAACCCA-3'